The following is an entry in ClinVar:

NM_000136.3(FANCC):c.-155A>C

Gene: FANCC (FA complementation group C; minus strand). Cytogenetic location: 9q22.32.
Variant type: single nucleotide variant.
Coding change: c.-155A>C on transcript NM_000136.3 (MANE Select); 155 bases upstream of the start codon, A replaced by C.
Molecular consequence: 5 prime UTR variant.
Genome position (GRCh38, 1-based): chr9:95,317,602, T>G on the plus strand (A>C on the coding strand, the complement: FANCC is on the minus strand). VCF-style: chr9-95317602-T-G. GRCh37 (hg19) VCF-style: chr9-98079884-T-G.
Other names: c.-155A>C (NM_001243744.2).
Identifiers: ClinVar variation 367611 (VCV000367611.19), dbSNP rs549658720, ClinGen allele CA10627706.

ClinVar aggregate classification (germline): Conflicting classifications of pathogenicity. Review status: criteria provided, conflicting classifications (1 of 4 stars). 4 submissions from 4 submitters: Uncertain significance (1); Benign (1); Likely benign (2). Last evaluated 2021-06-18.

Conditions:
Fanconi anemia complementation group C (FANCC). Also called: FANCONI PANCYTOPENIA, TYPE 3; FACC; Fanconi anemia, group C; FANCC-Related Fanconi Anemia. Identifiers: Orphanet 84, MedGen C3468041, MONDO:0009213, OMIM 227645.

Allele frequency attached by ClinVar (database versions not stated): 1000 Genomes Project 0.00339; 1000 Genomes Project 30x 0.00344; TOPMed 0.00772; gnomAD 0.00972 and 0.00998.

Submissions (4):

Mayo Clinic Laboratories, Mayo Clinic
Classification: Uncertain significance. Last evaluated: 2021-06-18. Review status: criteria provided, single submitter. Criteria: ACMG Guidelines, 2015. Collection method: clinical testing. Allele origin: germline.

Genetic Services Laboratory, University of Chicago
Classification: Benign. Last evaluated: 2018-11-09. Review status: criteria provided, single submitter. Criteria: ACMG Guidelines, 2015. Collection method: clinical testing. Allele origin: germline. Affected: no.

GeneDx
Classification: Likely benign. Last evaluated: 2018-06-18. Review status: criteria provided, single submitter. Criteria: GeneDx Variant Classification (06012015). Collection method: clinical testing. Allele origin: germline. Affected: yes.
Comment: This variant is considered likely benign or benign based on one or more of the following criteria: it is a conservative change, it occurs at a poorly conserved position in the protein, it is predicted to be benign by multiple in silico algorithms, and/or has population frequency not consistent with disease.

Illumina Laboratory Services, Illumina
Classification: Likely benign for Fanconi anemia complementation group C. Last evaluated: 2018-01-12. Review status: criteria provided, single submitter. Criteria: ICSL Variant Classification Criteria 13 December 2019. Collection method: clinical testing. Allele origin: germline.
Comment: This variant was observed in the ICSL laboratory as part of a predisposition screen in an ostensibly healthy population. It had not been previously curated by ICSL or reported in the Human Gene Mutation Database (HGMD: prior to June 1st, 2018), and was therefore a candidate for classification through an automated scoring system. Utilizing variant allele frequency, disease prevalence and penetrance estimates, and inheritance mode, an automated score was calculated to assess if this variant is too frequent to cause the disease. Based on the score and internal cut-off values, a variant classified as likely benign is not then subjected to further curation. The score for this variant resulted in a classification of likely benign for this disease.